The following is an entry in ClinVar:

NM_000517.6(HBA2):c.244T>A (p.Ser82Thr)

Genes: HBA2 (hemoglobin subunit alpha 2; plus strand), LOC106804612 (hemoglobin subunit alpha 2 recombination region; plus strand). Cytogenetic location: 16p13.3.
Variant type: single nucleotide variant.
Coding change: c.244T>A on transcript NM_000517.6 (MANE Select); coding-DNA position 244, T replaced by A.
Protein change: p.Ser82Thr; replaces serine 82 with threonine.
Molecular consequence: missense variant.
Genome position (GRCh38, 1-based): chr16:173,273, T>A. VCF-style: chr16-173273-T-A. GRCh37 (hg19) VCF-style: chr16-223272-T-A.
Other names: short protein forms S82T.
Identifiers: ClinVar variation 4688229 (VCV004688229.1).

ClinVar aggregate classification (germline): Uncertain significance (1 of 4 stars; one submission).

Submission:

Women's Health and Genetics/Laboratory Corporation of America, LabCorp
Classification: Uncertain significance. Last evaluated: 2025-12-18. Review status: criteria provided, single submitter. Criteria: LabCorp Variant Classification Summary - May 2015. Collection method: clinical testing. Allele origin: germline.
Comment: Variant summary: HBA2 c.244T>A (p.Ser82Thr) results in a conservative amino acid change in the encoded protein sequence. Algorithms developed to predict the effect of missense changes on protein structure and function are either unavailable or do not agree on the potential impact of this missense change. The frequency data for this variant in gnomAD is considered unreliable, as metrics indicate poor data quality at this position. To our knowledge, no occurrence of c.244T>A in individuals affected with HBA2-related conditions and no experimental evidence demonstrating its impact on protein function have been reported. No submitters have cited clinical-significance assessments for this variant to ClinVar. Other variants at codon Ser82 (p.Ser82Pro, p.Ser82Cys, p.Ser82Phe) have been reported without conclusive evidence. Based on the evidence outlined above, the variant was classified as uncertain significance.